The following is an entry in ClinVar:

NM_015662.3(IFT172):c.4564G>A (p.Glu1522Lys)

Gene: IFT172 (intraflagellar transport 172; minus strand). Cytogenetic location: 2p23.3.
Variant type: single nucleotide variant.
Coding change: c.4564G>A on transcript NM_015662.3 (MANE Select); coding-DNA position 4564, G replaced by A.
Protein change: p.Glu1522Lys; replaces glutamic acid 1522 with lysine.
Molecular consequence: missense variant.
Genome position (GRCh38, 1-based): chr2:27,447,610, C>T on the plus strand (G>A on the coding strand, the complement: IFT172 is on the minus strand). VCF-style: chr2-27447610-C-T. GRCh37 (hg19) VCF-style: chr2-27670477-C-T.
Other names: short protein forms E1522K.
Identifiers: ClinVar variation 451286 (VCV000451286.18), dbSNP rs746340772, ClinGen allele CA1579552.

ClinVar aggregate classification (germline): Conflicting classifications of pathogenicity. Review status: criteria provided, conflicting classifications (1 of 4 stars). 6 submissions from 6 submitters: Uncertain significance (4); Likely benign (1). 1 of the submissions does not count toward it. Last evaluated 2025-12-21.

Conditions:
Short-rib thoracic dysplasia 10 with or without polydactyly (SRTD10). Identifiers: Orphanet 474, MedGen C3810175, MONDO:0014284, OMIM 615630.
Retinitis pigmentosa 71 (RP71). Identifiers: Orphanet 791, MedGen C4225342, MONDO:0014618, OMIM 616394.
IFT172-related disorder. Also called: IFT172-related condition; IFT172-related disorders.
Bardet-Biedl syndrome 20. Identifiers: MedGen C4310707, MONDO:0023670, OMIM 619471, MONDO:0014926.

Allele frequency attached by ClinVar (database versions not stated): ExAC 0.00009; gnomAD 0.00010 and 0.00011; gnomAD exomes 0.00010 and 0.00011; TOPMed 0.00011.
gnomAD v4.1: 187 of 1,614,146 alleles (0.012%); highest among the groups gnomAD compares: Middle Eastern, 0.033%; no homozygotes.

Submissions (6):

Labcorp Genetics (formerly Invitae), Labcorp
Classification: Likely benign for Retinitis pigmentosa 71; Short-rib thoracic dysplasia 10 with or without polydactyly. Last evaluated: 2025-12-21. Review status: criteria provided, single submitter. Criteria: Invitae Variant Classification Sherloc (09022015). Collection method: clinical testing. Allele origin: germline.

GeneDx
Classification: Uncertain significance. Last evaluated: 2025-04-29. Review status: criteria provided, single submitter. Criteria: GeneDx Variant Classification Process June 2021. Collection method: clinical testing. Allele origin: germline. Affected: yes.
Comment: Reported in an individual with an unknown phenotype who also carried another variant in the IFT172 gene (PMID: 25492405); In silico analysis indicates that this missense variant does not alter protein structure/function; This variant is associated with the following publications: (PMID: 25492405)

Blueprint Genetics
Classification: Uncertain significance. Last evaluated: 2024-11-22. Review status: criteria provided, single submitter. Criteria: ACMG Guidelines, 2015. Collection method: clinical testing. Allele origin: germline.

Fulgent Genetics
Classification: Uncertain significance for Short-rib thoracic dysplasia 10 with or without polydactyly; Retinitis pigmentosa 71; Bardet-Biedl syndrome 20. Last evaluated: 2024-01-20. Review status: criteria provided, single submitter. Criteria: ACMG Guidelines, 2015. Collection method: clinical testing. Allele origin: germline.

Genetic Services Laboratory, University of Chicago
Classification: Uncertain significance. Last evaluated: 2020-02-21. Review status: criteria provided, single submitter. Criteria: ACMG Guidelines, 2015. Collection method: clinical testing. Allele origin: germline. Affected: no.
Comment: DNA sequence analysis of the IFT172 gene demonstrated a sequence change, c.4564G>A, in exon 42 that results in an amino acid change, p.Glu1522Lys. This sequence change does not appear to have been previously described in patients with IFT172-related disorders and has been described in the gnomAD database with a low population frequency of 0.015% in non-Finnish European subpopulation (dbSNP rs746340772). The p.Glu1522Lys change affects a moderately conserved amino acid residue located in a domain of the IFT172 protein that is not known to be functional. In-silico pathogenicity prediction tools (SIFT, PolyPhen2, Align GVGD, REVEL) provide contradictory results for the p.Glu1522Lys substitution. Due to these contrasting evidences and the lack of functional studies, the clinical significance of the p.Glu1522Lys change remains unknown at this time.

PreventionGenetics, part of Exact Sciences
Classification: Uncertain significance for IFT172-related condition. Last evaluated: 2024-04-30. Review status: no assertion criteria provided. Collection method: clinical testing. Allele origin: germline. Not counted in ClinVar's aggregate classification.
Comment: The IFT172 c.4564G>A variant is predicted to result in the amino acid substitution p.Glu1522Lys. To our knowledge, this variant has not been reported in the literature. This variant is reported in 0.015% of alleles in individuals of European (Non-Finnish) descent in gnomAD. At this time, the clinical significance of this variant is uncertain due to the absence of conclusive functional and genetic evidence.